The following is an entry in ClinVar:

NM_015072.5(TTLL5):c.670G>A (p.Val224Met)

Gene: TTLL5 (tubulin tyrosine ligase like 5; plus strand). Cytogenetic location: 14q24.3.
Variant type: single nucleotide variant.
Coding change: c.670G>A on transcript NM_015072.5 (MANE Select); coding-DNA position 670, G replaced by A.
Protein change: p.Val224Met; replaces valine 224 with methionine.
Molecular consequence: missense variant.
Genome position (GRCh38, 1-based): chr14:75,707,637, G>A. VCF-style: chr14-75707637-G-A. GRCh37 (hg19) VCF-style: chr14-76173980-G-A.
Other names: short protein forms V224M.
Identifiers: ClinVar variation 735562 (VCV000735562.55), dbSNP rs17849666, ClinGen allele CA7279041.

ClinVar aggregate classification (germline): Conflicting classifications of pathogenicity. Review status: criteria provided, conflicting classifications (1 of 4 stars). 6 submissions from 6 submitters: Uncertain significance (1); Likely benign (3). 2 of the submissions do not count toward it. Last evaluated 2026-01-02.

Conditions:
TTLL5-related disorder. Also called: TTLL5-related condition.

Allele frequency attached by ClinVar (database versions not stated): 1000 Genomes Project 30x 0.00047; 1000 Genomes Project 0.00060; TOPMed 0.00091; gnomAD 0.00103 and 0.00105; ESP Exome Variant Server 0.00108; gnomAD exomes 0.00119.
gnomAD v4.1: 2,101 of 1,608,894 alleles (0.13%); highest among the groups gnomAD compares: Middle Eastern, 0.31%; 7 homozygotes.

Submissions (6):

Labcorp Genetics (formerly Invitae), Labcorp
Classification: Likely benign. Last evaluated: 2026-01-02. Review status: criteria provided, single submitter. Criteria: Invitae Variant Classification Sherloc (09022015). Collection method: clinical testing. Allele origin: germline.

Blueprint Genetics
Classification: Likely benign. Last evaluated: 2024-11-07. Review status: criteria provided, single submitter. Criteria: ACMG Guidelines, 2015. Collection method: clinical testing. Allele origin: germline.

PreventionGenetics, part of Exact Sciences
Classification: Likely benign for TTLL5-related condition. Last evaluated: 2024-10-24. Review status: criteria provided, single submitter. Criteria: ACMG Guidelines, 2015. Collection method: clinical testing. Allele origin: germline.
Comment: This variant is classified as likely benign based on ACMG/AMP sequence variant interpretation guidelines (Richards et al. 2015 PMID: 25741868, with internal and published modifications).

CeGaT Center for Human Genetics Tuebingen
Classification: Uncertain significance. Last evaluated: 2018-06-01. Review status: criteria provided, single submitter. Criteria: CeGaT Center For Human Genetics Tuebingen Variant Classification Criteria Version 2. Collection method: clinical testing. Allele origin: germline. Affected: yes. Observed: 1 variant allele.

Clinical Genetics DNA and cytogenetics Diagnostics Lab, Erasmus MC, Erasmus Medical Center
Classification: Uncertain significance. Review status: no assertion criteria provided. Collection method: clinical testing. Allele origin: germline. Affected: yes. Study: VKGL Data-share Consensus. Not counted in ClinVar's aggregate classification.

Clinical Genetics, Academic Medical Center
Classification: Uncertain significance. Review status: no assertion criteria provided. Collection method: clinical testing. Allele origin: germline. Affected: yes. Study: VKGL Data-share Consensus. Not counted in ClinVar's aggregate classification.